The following is an entry in ClinVar:

ClinVar aggregate classification (germline): Uncertain significance (1 of 4 stars; one submission).

Conditions:
Inborn genetic diseases. Identifiers: MedGen C0950123, MeSH D030342.

Submission:

Ambry Genetics
Classification: Uncertain significance for Inborn genetic diseases. Last evaluated: 2024-12-20. Review status: criteria provided, single submitter. Criteria: Ambry Variant Classification Scheme 2023. Collection method: clinical testing. Allele origin: germline.
Comment: The p.E215G variant (also known as c.644A>G), located in coding exon 4 of the ERCC6L2 gene, results from an A to G substitution at nucleotide position 644. The glutamic acid at codon 215 is replaced by glycine, an amino acid with similar properties. This amino acid position is conserved. In addition, this alteration is predicted to be deleterious by in silico analysis. Based on the available evidence, the clinical significance of this variant remains unclear.

NM_020207.7(ERCC6L2):c.644A>G (p.Glu215Gly)

Gene: ERCC6L2 (ERCC excision repair 6 like 2; plus strand). Cytogenetic location: 9q22.32.
Variant type: single nucleotide variant.
Coding change: c.644A>G on transcript NM_020207.7 (MANE Select); coding-DNA position 644, A replaced by G.
Protein change: p.Glu215Gly; replaces glutamic acid 215 with glycine.
Molecular consequence: missense variant. On other transcripts: non-coding transcript variant (1).
Genome position (GRCh38, 1-based): chr9:95,907,127, A>G. VCF-style: chr9-95907127-A-G. GRCh37 (hg19) VCF-style: chr9-98669409-A-G.
Other names: c.644A>G, p.Glu215Gly (NM_001010895.4, NM_001375291.1, NM_001375292.1 and 2 more transcripts); short protein forms E215G.
Identifiers: ClinVar variation 3845811 (VCV003845811.1).